The following is an entry in ClinVar:

NM_006267.5(RANBP2):c.3860C>T (p.Thr1287Ile)

Gene: RANBP2 (RAN binding protein 2; plus strand). Cytogenetic location: 2q13.
Variant type: single nucleotide variant.
Coding change: c.3860C>T on transcript NM_006267.5 (MANE Select); coding-DNA position 3860, C replaced by T.
Protein change: p.Thr1287Ile; replaces threonine 1287 with isoleucine.
Molecular consequence: missense variant.
Genome position (GRCh38, 1-based): chr2:108,764,399, C>T. VCF-style: chr2-108764399-C-T. GRCh37 (hg19) VCF-style: chr2-109380855-C-T.
Other names: short protein forms T1287I.
Identifiers: ClinVar variation 537210 (VCV000537210.9), dbSNP rs764830622, ClinGen allele CA1823006.
Genomic context (GRCh38, chr2:108,764,399, plus strand): 5'-ATGCCCTTGATTATGCAGATGAGTTGCCAAAACCAGAACAACTTGCTATTAGGTTCAAAA[C>T]TCCTGAGGAAGCAGCACTTTTTAAATGCAAGTTTGAAGAAGCCCAGAGCATTTTAAAAGC-3'
Protein context (NP_006258.3, residues 1277-1297): KPEQLAIRFK[Thr1287Ile]PEEAALFKCK

ClinVar aggregate classification (germline): Uncertain significance (1 of 4 stars; one submission).

Conditions:
Familial acute necrotizing encephalopathy (IIAE3). Also called: Susceptibility to Acute Necrotizing Encephalopathy 1; ENCEPHALOPATHY, ACUTE, INFECTION-INDUCED, SUSCEPTIBILITY TO, 3. Identifiers: Orphanet 88619, MedGen C2675556, MONDO:0011953, OMIM 608033.

Allele frequency attached by ClinVar (database versions not stated): gnomAD exomes below 0.00001; ExAC 0.00001; gnomAD 0.00001.
gnomAD v4.1: 2 of 1,613,900 alleles (0.00012%); highest among the groups gnomAD compares: African/African-American, 0.0027%; no homozygotes.

Submission:

Labcorp Genetics (formerly Invitae), Labcorp
Classification: Uncertain significance for Familial acute necrotizing encephalopathy. Last evaluated: 2022-07-19. Review status: criteria provided, single submitter. Criteria: Invitae Variant Classification Sherloc (09022015). Collection method: clinical testing. Allele origin: germline.
Comment: ClinVar contains an entry for this variant (Variation ID: 537210). This sequence change replaces threonine, which is neutral and polar, with isoleucine, which is neutral and non-polar, at codon 1287 of the RANBP2 protein (p.Thr1287Ile). This variant is present in population databases (rs764830622, gnomAD 0.007%). This variant has not been reported in the literature in individuals affected with RANBP2-related conditions. Algorithms developed to predict the effect of missense changes on protein structure and function (SIFT, PolyPhen-2, Align-GVGD) all suggest that this variant is likely to be disruptive. In summary, the available evidence is currently insufficient to determine the role of this variant in disease. Therefore, it has been classified as a Variant of Uncertain Significance.